The following is an entry in ClinVar:

ClinVar aggregate classification (germline): Uncertain significance (1 of 4 stars; one submission).

Conditions:
Glanzmann thrombasthenia. Also called: Glanzmann's thrombasthenia; BLEEDING DISORDER, PLATELET-TYPE, 2; THROMBASTHENIA OF GLANZMANN AND NAEGELI; Thrombasthenia; PLATELET GLYCOPROTEIN IIb-IIIa DEFICIENCY. Identifiers: Orphanet 849, MedGen C0040015, MONDO:0100326.

gnomAD v4.1: 18 of 1,613,600 alleles (0.0011%); highest among the groups gnomAD compares: East Asian, 0.04%; no homozygotes.

Submission:

Labcorp Genetics (formerly Invitae), Labcorp
Classification: Uncertain significance for Glanzmann thrombasthenia. Last evaluated: 2023-08-18. Review status: criteria provided, single submitter. Criteria: Invitae Variant Classification Sherloc (09022015). Collection method: clinical testing. Allele origin: germline.
Comment: This sequence change replaces histidine, which is basic and polar, with tyrosine, which is neutral and polar, at codon 577 of the ITGA2B protein (p.His577Tyr). This variant is present in population databases (rs761298889, gnomAD 0.05%). This variant has not been reported in the literature in individuals affected with ITGA2B-related conditions. Advanced modeling of protein sequence and biophysical properties (such as structural, functional, and spatial information, amino acid conservation, physicochemical variation, residue mobility, and thermodynamic stability) performed at Invitae indicates that this missense variant is not expected to disrupt ITGA2B protein function. In summary, the available evidence is currently insufficient to determine the role of this variant in disease. Therefore, it has been classified as a Variant of Uncertain Significance.

NM_000419.5(ITGA2B):c.1729C>T (p.His577Tyr)

Gene: ITGA2B (integrin subunit alpha 2b; minus strand). Cytogenetic location: 17q21.31.
Variant type: single nucleotide variant.
Coding change: c.1729C>T on transcript NM_000419.5 (MANE Select); coding-DNA position 1729, C replaced by T.
Protein change: p.His577Tyr; replaces histidine 577 with tyrosine.
Molecular consequence: missense variant.
Genome position (GRCh38, 1-based): chr17:44,380,025, G>A on the plus strand (C>T on the coding strand, the complement: ITGA2B is on the minus strand). VCF-style: chr17-44380025-G-A. GRCh37 (hg19) VCF-style: chr17-42457393-G-A.
Other names: short protein forms H577Y.
Identifiers: ClinVar variation 2724305 (VCV002724305.3), dbSNP rs761298889, ClinGen allele CA8602973.